The following is an entry in ClinVar:

ClinVar aggregate classification (germline): Pathogenic. Review status: reviewed by expert panel (3 of 4 stars). 2 submissions from 2 submitters: Pathogenic (1). 1 of the submissions does not count toward it. Last evaluated 2016-09-08.

Conditions:
Breast-ovarian cancer, familial, susceptibility to, 1 (BROVCA1). Also called: BRCA1 Hereditary Breast and Ovarian Cancer; OVARIAN CANCER, SUSCEPTIBILITY TO. Identifiers: Orphanet 145, MedGen C2676676, MONDO:0011450, OMIM 604370. Disease mechanism: loss of function.
Hereditary breast ovarian cancer syndrome. Also called: Breast and ovarian cancer; Hereditary breast and ovarian cancer; Hereditary breast and ovarian cancer syndrome; Hereditary breast and/or ovarian cancer syndrome; BRCA1- and BRCA2-Associated Hereditary Breast and Ovarian Cancer; Hereditary breast and ovarian cancer syndrome (HBOC). Identifiers: Orphanet 145, MedGen C0677776, MeSH D061325, MONDO:0003582. Disease mechanism: loss of function.

Submissions (2):

Evidence-based Network for the Interpretation of Germline Mutant Alleles (ENIGMA)
Classification: Pathogenic for Breast-ovarian cancer, familial, susceptibility to, 1. Last evaluated: 2016-09-08. Review status: reviewed by expert panel. Criteria: ENIGMA BRCA1/2 Classification Criteria (2015). Collection method: curation. Allele origin: germline.
Comment: Variant allele predicted to encode a truncated non-functional protein.

Labcorp Genetics (formerly Invitae), Labcorp
Classification: Pathogenic for Hereditary breast ovarian cancer syndrome. Last evaluated: 2022-11-01. Review status: criteria provided, single submitter. Criteria: Invitae Variant Classification Sherloc (09022015). Collection method: clinical testing. Allele origin: germline. Not counted in ClinVar's aggregate classification.
Comment: This variant disrupts a region of the BRCA1 protein in which other variant(s) (p.Tyr1853*) have been determined to be pathogenic (PMID: 7894493, 10811118, 11739404, 12400015, 21922593; Invitae). This suggests that this is a clinically significant region of the protein, and that variants that disrupt it are likely to be disease-causing. For these reasons, this variant has been classified as Pathogenic. ClinVar contains an entry for this variant (Variation ID: 219716). This premature translational stop signal has been observed in individual(s) with BRCA1-related conditions (PMID: 21520333). This variant is not present in population databases (gnomAD no frequency). This sequence change creates a premature translational stop signal (p.Val1842Glufs*13) in the BRCA1 gene. While this is not anticipated to result in nonsense mediated decay, it is expected to disrupt the last 22 amino acid(s) of the BRCA1 protein.

Literature cited by the submitters: PubMed 7894493 (cited by Labcorp Genetics (formerly Invitae), Labcorp); PubMed 10811118 (cited by Labcorp Genetics (formerly Invitae), Labcorp); PubMed 11739404 (cited by Labcorp Genetics (formerly Invitae), Labcorp); PubMed 12400015 (cited by Labcorp Genetics (formerly Invitae), Labcorp); PubMed 21922593 (cited by Labcorp Genetics (formerly Invitae), Labcorp); PubMed 21520333 (cited by Labcorp Genetics (formerly Invitae), Labcorp).

NM_007294.4(BRCA1):c.5525del (p.Val1842fs)

Gene: BRCA1 (BRCA1 DNA repair associated; minus strand). Cytogenetic location: 17q21.31.
Variant type: Deletion.
Coding change: c.5525del on transcript NM_007294.4 (MANE Select); coding-DNA position 5525, one base deleted (T; older notation c.5525delT).
Protein change: p.Val1842fs; shifts the reading frame from valine 1842.
Molecular consequence: frameshift variant. On other transcripts: 3 prime UTR variant (1), non-coding transcript variant (1).
Genome position (GRCh38, 1-based): chr17:43,045,745, A deleted on the plus strand (T on the coding strand, the reverse complement: BRCA1 is on the minus strand). VCF-style (leftmost placement, unchanged base first): chr17-43045744-TA-T. GRCh37 (hg19) VCF-style: chr17-41197761-TA-T.
Other names: c.5519delT, p.Val1840Glufs (NM_001407634.1, NM_001407635.1, NM_001407636.1 and 13 more transcripts); c.5516delT, p.Val1839Glufs (NM_001407644.1, NM_001407645.1); c.5513delT, p.Val1838Glufs (NM_001407646.1); c.5510delT, p.Val1837Glufs (NM_001407647.1); c.5468delT, p.Val1823Glufs (NM_001407648.1); c.5465delT, p.Val1822Glufs (NM_001407649.1); c.5312delT, p.Val1771Glufs (NM_001407571.1, NM_001407894.1, NM_001407895.1 and 12 more transcripts); c.5447delT, p.Val1816Glufs (NM_001407652.1, NM_001407653.1, NM_001407654.1 and 1 more transcripts); and 77 more; short protein forms V1863fs, V1795fs, V738fs, V1842fs.
Identifiers: ClinVar variation 219716 (VCV000219716.14), dbSNP rs864622220, ClinGen allele CA348508.
Genomic context (GRCh38, chr17:43,045,744, plus strand): 5'-GTGGCTGTGGGGGATCTGGGGTATCAGGTAGGTGTCCAGCTCCTGGCACTGGTAGAGTGC[TA>T]CACTGTCCAACACCCACTCTCGGGTCACCACAGGTGCCTCACACATCTGCCCAATTGCTG-3'